The following is an entry in ClinVar:

ClinVar aggregate classification (germline): Uncertain significance. Review status: criteria provided, multiple submitters, no conflicts (2 of 4 stars). 2 submissions from 2 submitters: Uncertain significance (2). Last evaluated 2023-02-10.

Conditions:
Inborn genetic diseases. Identifiers: MedGen C0950123, MeSH D030342.

Allele frequency attached by ClinVar (database versions not stated): TOPMed 0.00006; ExAC 0.00009; gnomAD exomes 0.00009; gnomAD 0.00010; ESP Exome Variant Server 0.00023.
gnomAD v4.1: 144 of 1,612,374 alleles (0.0089%); highest among the groups gnomAD compares: Non-Finnish European, 0.011%; no homozygotes.

Submissions (2):

Ambry Genetics
Classification: Uncertain significance for Inborn genetic diseases. Last evaluated: 2023-02-10. Review status: criteria provided, single submitter. Criteria: Ambry Variant Classification Scheme 2023. Collection method: clinical testing. Allele origin: germline.

Labcorp Genetics (formerly Invitae), Labcorp
Classification: Uncertain significance. Last evaluated: 2022-11-01. Review status: criteria provided, single submitter. Criteria: Invitae Variant Classification Sherloc (09022015). Collection method: clinical testing. Allele origin: germline.
Comment: This sequence change replaces proline, which is neutral and non-polar, with serine, which is neutral and polar, at codon 251 of the DLL3 protein (p.Pro251Ser). This variant is present in population databases (rs376715067, gnomAD 0.02%). This variant has not been reported in the literature in individuals affected with DLL3-related conditions. Algorithms developed to predict the effect of missense changes on protein structure and function are either unavailable or do not agree on the potential impact of this missense change (SIFT: "Tolerated"; PolyPhen-2: "Probably Damaging"; Align-GVGD: "Class C0"). In summary, the available evidence is currently insufficient to determine the role of this variant in disease. Therefore, it has been classified as a Variant of Uncertain Significance.

NM_203486.3(DLL3):c.751C>T (p.Pro251Ser)

Gene: DLL3 (delta like canonical Notch ligand 3; plus strand). Cytogenetic location: 19q13.2.
Variant type: single nucleotide variant.
Coding change: c.751C>T on transcript NM_203486.3 (MANE Select); coding-DNA position 751, C replaced by T.
Protein change: p.Pro251Ser; replaces proline 251 with serine.
Molecular consequence: missense variant.
Genome position (GRCh38, 1-based): chr19:39,504,169, C>T. VCF-style: chr19-39504169-C-T. GRCh37 (hg19) VCF-style: chr19-39994809-C-T.
Other names: c.751C>T, p.Pro251Ser (NM_016941.4); c.751C>T (NM_016941.3); short protein forms P251S.
Identifiers: ClinVar variation 2181555 (VCV002181555.3), dbSNP rs376715067, ClinGen allele CA9432260.